The following is an entry in ClinVar:

ClinVar aggregate classification (germline): Uncertain significance (1 of 4 stars; one submission).

Conditions:
Joubert syndrome. Also called: JOUBERT-BOLTSHAUSER SYNDROME; Familial aplasia of the vermis. Identifiers: Orphanet 475, MedGen C5979921, MONDO:0018772.
Meckel-Gruber syndrome. Also called: DYSENCEPHALIA SPLANCHNOCYSTICA; GRUBER SYNDROME; Dysencephalia splachnocystica. Identifiers: Orphanet 564, MedGen C0265215, MONDO:0018921.

Allele frequency attached by ClinVar (database versions not stated): gnomAD exomes 0.00002.
gnomAD v4.1: 42 of 1,612,036 alleles (0.0026%); highest among the groups gnomAD compares: South Asian, 0.011%; no homozygotes.

Submission:

Labcorp Genetics (formerly Invitae), Labcorp
Classification: Uncertain significance for Joubert syndrome; Meckel-Gruber syndrome. Last evaluated: 2022-07-12. Review status: criteria provided, single submitter. Criteria: Invitae Variant Classification Sherloc (09022015). Collection method: clinical testing. Allele origin: germline.
Comment: This sequence change replaces phenylalanine, which is neutral and non-polar, with serine, which is neutral and polar, at codon 1258 of the CC2D2A protein (p.Phe1258Ser). This variant is present in population databases (no rsID available, gnomAD 0.01%). This variant has not been reported in the literature in individuals affected with CC2D2A-related conditions. ClinVar contains an entry for this variant (Variation ID: 1517807). Algorithms developed to predict the effect of missense changes on protein structure and function are either unavailable or do not agree on the potential impact of this missense change (SIFT: "Deleterious"; PolyPhen-2: "Possibly Damaging"; Align-GVGD: "Class C0"). In summary, the available evidence is currently insufficient to determine the role of this variant in disease. Therefore, it has been classified as a Variant of Uncertain Significance.

NM_001378615.1(CC2D2A):c.3773T>C (p.Phe1258Ser)

Genes: CC2D2A (coiled-coil and C2 domain containing 2A; plus strand), FBXL5 (F-box and leucine rich repeat protein 5; minus strand). Cytogenetic location: 4p15.32.
Variant type: single nucleotide variant.
Coding change: c.3773T>C on transcript NM_001378615.1 (MANE Select); coding-DNA position 3773, T replaced by C.
Protein change: p.Phe1258Ser; replaces phenylalanine 1258 with serine.
Molecular consequence: missense variant.
Genome position (GRCh38, 1-based): chr4:15,579,969, T>C. VCF-style: chr4-15579969-T-C. GRCh37 (hg19) VCF-style: chr4-15581592-T-C.
Other names: c.3773T>C, p.Phe1258Ser (NM_001080522.2); c.3626T>C, p.Phe1209Ser (NM_001378617.1); short protein forms F1258S, F1209S.
Identifiers: ClinVar variation 1517807 (VCV001517807.3), dbSNP rs1485903880, ClinGen allele CA356425325.